The following is an entry in ClinVar:

ClinVar aggregate classification (germline): Uncertain significance (1 of 4 stars; one submission).

Conditions:
Baller-Gerold syndrome (BGS). Also called: CRANIOSYNOSTOSIS WITH RADIAL DEFECTS. Identifiers: Orphanet 1225, MedGen C0265308, MONDO:0009039, OMIM 218600.

Allele frequency attached by ClinVar (database versions not stated): gnomAD exomes below 0.00001 and 0.00001.

Submission:

Labcorp Genetics (formerly Invitae), Labcorp
Classification: Uncertain significance for Baller-Gerold syndrome. Last evaluated: 2023-09-29. Review status: criteria provided, single submitter. Criteria: Invitae Variant Classification Sherloc (09022015). Collection method: clinical testing. Allele origin: germline.
Comment: In summary, the available evidence is currently insufficient to determine the role of this variant in disease. Therefore, it has been classified as a Variant of Uncertain Significance. Advanced modeling of protein sequence and biophysical properties (such as structural, functional, and spatial information, amino acid conservation, physicochemical variation, residue mobility, and thermodynamic stability) performed at Invitae indicates that this missense variant is not expected to disrupt RECQL4 protein function. ClinVar contains an entry for this variant (Variation ID: 856049). This variant has not been reported in the literature in individuals affected with RECQL4-related conditions. The frequency data for this variant in the population databases is considered unreliable, as metrics indicate poor data quality at this position in the gnomAD database. This sequence change replaces glycine, which is neutral and non-polar, with serine, which is neutral and polar, at codon 997 of the RECQL4 protein (p.Gly997Ser).

NM_004260.4(RECQL4):c.2989G>A (p.Gly997Ser)

Gene: RECQL4 (RecQ like helicase 4; minus strand). Cytogenetic location: 8q24.3.
Variant type: single nucleotide variant.
Coding change: c.2989G>A on transcript NM_004260.4 (MANE Select); coding-DNA position 2989, G replaced by A.
Protein change: p.Gly997Ser; replaces glycine 997 with serine.
Molecular consequence: missense variant.
Genome position (GRCh38, 1-based): chr8:144,512,458, C>T on the plus strand (G>A on the coding strand, the complement: RECQL4 is on the minus strand). VCF-style: chr8-144512458-C-T. GRCh37 (hg19) VCF-style: chr8-145737841-C-T.
Other names: short protein forms G997S.
Identifiers: ClinVar variation 856049 (VCV000856049.5), dbSNP rs948234493, ClinGen allele CA187680464.